The following is an entry in ClinVar:

ClinVar aggregate classification (germline): Uncertain significance (1 of 4 stars; one submission).

Conditions:
Cardiovascular phenotype. Identifiers: MedGen CN230736.

Submission:

Ambry Genetics
Classification: Uncertain significance for Cardiovascular phenotype. Last evaluated: 2022-07-22. Review status: criteria provided, single submitter. Criteria: Ambry Variant Classification Scheme 2023. Collection method: clinical testing. Allele origin: germline.
Comment: The p.R15P variant (also known as c.44G>C), located in coding exon 1 of the SCN10A gene, results from a G to C substitution at nucleotide position 44. The arginine at codon 15 is replaced by proline, an amino acid with dissimilar properties. This amino acid position is well conserved in available vertebrate species. In addition, the in silico prediction for this alteration is inconclusive. The evidence for this gene-disease relationship is limited; therefore, the clinical significance of this alteration is unclear.

NM_006514.4(SCN10A):c.44G>C (p.Arg15Pro)

Gene: SCN10A (sodium voltage-gated channel alpha subunit 10; minus strand). Cytogenetic location: 3p22.2.
Variant type: single nucleotide variant.
Coding change: c.44G>C on transcript NM_006514.4 (MANE Select); coding-DNA position 44, G replaced by C.
Protein change: p.Arg15Pro; replaces arginine 15 with proline.
Molecular consequence: missense variant.
Genome position (GRCh38, 1-based): chr3:38,793,967, C>G on the plus strand (G>C on the coding strand, the complement: SCN10A is on the minus strand). VCF-style: chr3-38793967-C-G. GRCh37 (hg19) VCF-style: chr3-38835458-C-G.
Other names: c.44G>C, p.Arg15Pro (NM_001293306.2, NM_001293307.2); short protein forms R15P.
Identifiers: ClinVar variation 1741040 (VCV001741040.2), dbSNP rs763455818, ClinGen allele CA352163431.